The following is an entry in ClinVar:

NM_006506.5(RASA2):c.1324A>C (p.Lys442Gln)

Gene: RASA2 (RAS p21 protein activator 2; plus strand). Cytogenetic location: 3q23.
Variant type: single nucleotide variant.
Coding change: c.1324A>C on transcript NM_006506.5 (MANE Select); coding-DNA position 1324, A replaced by C.
Protein change: p.Lys442Gln; replaces lysine 442 with glutamine.
Molecular consequence: missense variant.
Genome position (GRCh38, 1-based): chr3:141,573,186, A>C. VCF-style: chr3-141573186-A-C. GRCh37 (hg19) VCF-style: chr3-141292028-A-C.
Other names: c.1324A>C, p.Lys442Gln (NM_001303245.3, NM_001303246.3); short protein forms K442Q.
Identifiers: ClinVar variation 4744863 (VCV004744863.1).
Genomic context (GRCh38, chr3:141,573,186, plus strand): 5'-ACTGAAAAATTTATTTTTCAGATATGTGACTCCTCAAAATCCTGTGAAATCGATCCTATT[A>C]AATTGAAAGAGGGAGATAATGTAGAAAATAATAAGGTAAGTCCTTGTTATATTATTTATA-3'
Protein context (NP_006497.2, residues 432-452): SSKSCEIDPI[Lys442Gln]LKEGDNVENN

ClinVar aggregate classification (germline): Uncertain significance (1 of 4 stars; one submission).

gnomAD v4.1: 3 of 1,542,938 alleles (0.00019%); highest among the groups gnomAD compares: South Asian, 0.0012%; no homozygotes.

Submission:

Labcorp Genetics (formerly Invitae), Labcorp
Classification: Uncertain significance. Last evaluated: 2025-08-06. Review status: criteria provided, single submitter. Criteria: Invitae Variant Classification Sherloc (09022015). Collection method: clinical testing. Allele origin: germline.
Comment: This sequence change replaces lysine, which is basic and polar, with glutamine, which is neutral and polar, at codon 442 of the RASA2 protein (p.Lys442Gln). This variant is not present in population databases (gnomAD no frequency). This variant has not been reported in the literature in individuals affected with RASA2-related conditions. Invitae Evidence Modeling of protein sequence and biophysical properties (such as structural, functional, and spatial information, amino acid conservation, physicochemical variation, residue mobility, and thermodynamic stability) indicates that this missense variant is not expected to disrupt RASA2 protein function with a negative predictive value of 80%. In summary, the available evidence is currently insufficient to determine the role of this variant in disease. Therefore, it has been classified as a Variant of Uncertain Significance.